The following is an entry in ClinVar:

NM_000059.4(BRCA2):c.4949G>A (p.Ser1650Asn)

Gene: BRCA2 (BRCA2 DNA repair associated; plus strand). Cytogenetic location: 13q13.1.
Variant type: single nucleotide variant.
Coding change: c.4949G>A on transcript NM_000059.4 (MANE Select); coding-DNA position 4949, G replaced by A.
Protein change: p.Ser1650Asn; replaces serine 1650 with asparagine.
Molecular consequence: missense variant. On other transcripts: non-coding transcript variant (1), intron variant (2).
Genome position (GRCh38, 1-based): chr13:32,339,304, G>A. VCF-style: chr13-32339304-G-A. GRCh37 (hg19) VCF-style: chr13-32913441-G-A.
Other names: c.4949G>A, p.Ser1650Asn (NM_001406719.1, NM_001406720.1, NM_001432077.1); c.1910-5254G>A (NM_001406721.1); c.425-5254G>A (NM_001406722.1); short protein forms S1650N.
Identifiers: ClinVar variation 3482196 (VCV003482196.1).

ClinVar aggregate classification (germline): Uncertain significance (1 of 4 stars; one submission).

Conditions:
Hereditary cancer-predisposing syndrome. Also called: Tumor predisposition; Neoplastic Syndromes, Hereditary; Hereditary Cancer Syndrome; Hereditary neoplastic syndrome. Identifiers: Orphanet 140162, MedGen C0027672, MeSH D009386, MONDO:0015356.

gnomAD v4.1: 1 of 1,604,070 alleles (0.000062%); highest among the groups gnomAD compares: Non-Finnish European, 0.000085%; no homozygotes.

Submission:

Ambry Genetics
Classification: Uncertain significance for Hereditary cancer-predisposing syndrome. Last evaluated: 2024-11-20. Review status: criteria provided, single submitter. Criteria: Ambry Variant Classification Scheme 2023. Collection method: clinical testing. Allele origin: germline.
Comment: The p.S1650N variant (also known as c.4949G>A), located in coding exon 10 of the BRCA2 gene, results from a G to A substitution at nucleotide position 4949. The serine at codon 1650 is replaced by asparagine, an amino acid with highly similar properties. This amino acid position is conserved. In addition, this alteration is predicted to be tolerated by in silico analysis. Based on the available evidence, the clinical significance of this variant remains unclear.